The following is an entry in ClinVar:

NM_001754.5(RUNX1):c.-2C>T

Gene: RUNX1 (RUNX family transcription factor 1; minus strand). Cytogenetic location: 21q22.12.
Variant type: single nucleotide variant.
Coding change: c.-2C>T on transcript NM_001754.5 (MANE Select); 2 bases upstream of the start codon, C replaced by T.
Molecular consequence: 5 prime UTR variant.
Genome position (GRCh38, 1-based): chr21:35,048,901, G>A on the plus strand (C>T on the coding strand, the complement: RUNX1 is on the minus strand). VCF-style: chr21-35048901-G-A. GRCh37 (hg19) VCF-style: chr21-36421198-G-A.
Identifiers: ClinVar variation 561220 (VCV000561220.6), dbSNP rs375033964, ClinGen allele CA10014737.
Genomic context (GRCh38, chr21:35,048,901, plus strand): 5'-CCTCTCATGAAGCACTGTGGGTACGAAGGAAATGACTCAAATATGCTGTCTGAAGCCATC[G>A]CTTCCTCCTGAAAATGCACCCTCTTCTGAAGGCGGGGGACTCAATGATTTCTTTTACCTT-3'

ClinVar aggregate classification (germline): Likely benign. Review status: reviewed by expert panel (3 of 4 stars). 4 submissions from 4 submitters: Likely benign (1). 3 of the submissions do not count toward it. Last evaluated 2025-01-15.

Conditions:
Hereditary thrombocytopenia and hematologic cancer predisposition syndrome. Identifiers: Orphanet 71290, MedGen CN281654, MONDO:0011071.
Inborn genetic diseases. Identifiers: MedGen C0950123, MeSH D030342.

Allele frequency attached by ClinVar (database versions not stated): gnomAD exomes 0.00005 and 0.00007; gnomAD 0.00010 and 0.00005; TOPMed 0.00006; 1000 Genomes Project 30x 0.00094; ExAC 0.00006; 1000 Genomes Project 0.00080.
gnomAD v4.1: 87 of 1,613,658 alleles (0.0054%); highest among the groups gnomAD compares: East Asian, 0.078%; 1 homozygote.

Submissions (4):

ClinGen Myeloid Malignancy Variant Curation Expert Panel
Classification: Likely benign for Hereditary thrombocytopenia and hematologic cancer predisposition syndrome. Last evaluated: 2025-01-15. Review status: reviewed by expert panel. Criteria: ClinGen MyeloMalig ACMG Specifications v2. Collection method: curation. Allele origin: germline. Inheritance: Autosomal dominant inheritance.
Comment: NM_001754.5(RUNX1):c.-2C>T is a 5' UTR substitution variant which has a MAF of 0.0005758 for East Asian chromosomes by gnomAD v4, exceeding the ClinGen Myeloid Malignancy VCEP threshold (>0.00015) (BS1). Additionally, it has been observed in one homozygote in gnomAD v4 (BP2). In summary, this variant meets criteria to be classified as likely benign. ACMG/AMP criteria applied, as specified by the Myeloid Malignancy Variant Curation Expert Panel for RUNX1: BS1, BP2.

Ambry Genetics
Classification: Likely benign for Inborn genetic diseases. Last evaluated: 2024-03-20. Review status: criteria provided, single submitter. Criteria: Ambry Variant Classification Scheme 2023. Collection method: clinical testing. Allele origin: germline. Not counted in ClinVar's aggregate classification.

GeneDx
Classification: Uncertain significance. Last evaluated: 2024-02-09. Review status: criteria provided, single submitter. Criteria: GeneDx Variant Classification Process June 2021. Collection method: clinical testing. Allele origin: germline. Not counted in ClinVar's aggregate classification.
Comment: Has not been previously published as pathogenic or benign to our knowledge; This variant is associated with the following publications: (PMID: 28404951)

PreventionGenetics, part of Exact Sciences
Classification: Uncertain significance. Last evaluated: 2014-01-03. Review status: criteria provided, single submitter. Criteria: ACMG Guidelines, 2015. Collection method: clinical testing. Allele origin: germline. Not counted in ClinVar's aggregate classification.